The following is an entry in ClinVar:

ClinVar aggregate classification (germline): Uncertain significance (1 of 4 stars; one submission).

Conditions:
Primary ciliary dyskinesia. Also called: Ciliary dyskinesia. Identifiers: Orphanet 244, MedGen C0008780, MONDO:0016575, HP:0012265.

Submission:

Labcorp Genetics (formerly Invitae), Labcorp
Classification: Uncertain significance for Primary ciliary dyskinesia. Last evaluated: 2019-06-05. Review status: criteria provided, single submitter. Criteria: Invitae Variant Classification Sherloc (09022015). Collection method: clinical testing. Allele origin: germline.
Comment: In summary, the available evidence is currently insufficient to determine the role of this variant in disease. Therefore, it has been classified as a Variant of Uncertain Significance. Algorithms developed to predict the effect of missense changes on protein structure and function output the following: SIFT: "Tolerated"; PolyPhen-2: Not Available; Align-GVGD: "Class C0". The asparagine amino acid residue is found in multiple mammalian species, suggesting that this missense change does not adversely affect protein function. These predictions have not been confirmed by published functional studies and their clinical significance is uncertain. This variant has not been reported in the literature in individuals with DNAH8-related conditions. This variant is not present in population databases (ExAC no frequency). This sequence change replaces lysine with asparagine at codon 2597 of the DNAH8 protein (p.Lys2597Asn). The lysine residue is moderately conserved and there is a moderate physicochemical difference between lysine and asparagine.

NM_001206927.2(DNAH8):c.7791G>C (p.Lys2597Asn)

Gene: DNAH8 (dynein axonemal heavy chain 8; plus strand). Cytogenetic location: 6p21.2.
Variant type: single nucleotide variant.
Coding change: c.7791G>C on transcript NM_001206927.2 (MANE Select); coding-DNA position 7791, G replaced by C.
Protein change: p.Lys2597Asn; replaces lysine 2597 with asparagine.
Molecular consequence: missense variant.
Genome position (GRCh38, 1-based): chr6:38,875,761, G>C. VCF-style: chr6-38875761-G-C. GRCh37 (hg19) VCF-style: chr6-38843537-G-C.
Other names: c.7140G>C, p.Lys2380Asn (NM_001371.4); short protein forms K2380N, K2597N.
Identifiers: ClinVar variation 942258 (VCV000942258.10), dbSNP rs1554124713, ClinGen allele CA364029325.
Genomic context (GRCh38, chr6:38,875,761, plus strand): 5'-CCTTCTGGAATTAGAAAGCAGAGAAAAGCTTGAAGCCTTCTTACGGCAGCATGAAAGCAA[G>C]TTGGACTTACCAGAAATACCTAAAGGCTCAAATCAAACCATGTATGAGTTTTATGTTACT-3'
Protein context (NP_001193856.1, residues 2587-2607): LEAFLRQHES[Lys2597Asn]LDLPEIPKGS